The following is an entry in ClinVar:

ClinVar aggregate classification (germline): Uncertain significance. Review status: criteria provided, multiple submitters, no conflicts (2 of 4 stars). 2 submissions from 2 submitters: Uncertain significance (2). Last evaluated 2023-11-08.

Conditions:
Hereditary cancer-predisposing syndrome. Also called: Tumor predisposition; Neoplastic Syndromes, Hereditary; Hereditary neoplastic syndrome; Hereditary Cancer Syndrome. Identifiers: Orphanet 140162, MedGen C0027672, MeSH D009386, MONDO:0015356.

Submissions (2):

Ambry Genetics
Classification: Uncertain significance for Hereditary cancer-predisposing syndrome. Last evaluated: 2023-11-08. Review status: criteria provided, single submitter. Criteria: Ambry Variant Classification Scheme 2023. Collection method: clinical testing. Allele origin: germline.
Comment: The p.L1096V variant (also known as c.3286C>G), located in coding exon 27 of the POLE gene, results from a C to G substitution at nucleotide position 3286. The leucine at codon 1096 is replaced by valine, an amino acid with highly similar properties. This amino acid position is conserved. In addition, this alteration is predicted to be tolerated by in silico analysis. Since supporting evidence is limited at this time, the clinical significance of this alteration remains unclear.

Labcorp Genetics (formerly Invitae), Labcorp
Classification: Uncertain significance. Last evaluated: 2021-12-17. Review status: criteria provided, single submitter. Criteria: Invitae Variant Classification Sherloc (09022015). Collection method: clinical testing. Allele origin: germline.
Comment: This sequence change replaces leucine, which is neutral and non-polar, with valine, which is neutral and non-polar, at codon 1096 of the POLE protein (p.Leu1096Val). This variant is not present in population databases (gnomAD no frequency). This variant has not been reported in the literature in individuals affected with POLE-related conditions. ClinVar contains an entry for this variant (Variation ID: 1017890). Algorithms developed to predict the effect of missense changes on protein structure and function are either unavailable or do not agree on the potential impact of this missense change (SIFT: "Tolerated"; PolyPhen-2: "Possibly Damaging"; Align-GVGD: "Class C0"). In summary, the available evidence is currently insufficient to determine the role of this variant in disease. Therefore, it has been classified as a Variant of Uncertain Significance.

NM_006231.4(POLE):c.3286C>G (p.Leu1096Val)

Gene: POLE (DNA polymerase epsilon, catalytic subunit; minus strand). Cytogenetic location: 12q24.33.
Variant type: single nucleotide variant.
Coding change: c.3286C>G on transcript NM_006231.4 (MANE Select); coding-DNA position 3286, C replaced by G.
Protein change: p.Leu1096Val; replaces leucine 1096 with valine.
Molecular consequence: missense variant.
Genome position (GRCh38, 1-based): chr12:132,657,960, G>C on the plus strand (C>G on the coding strand, the complement: POLE is on the minus strand). VCF-style: chr12-132657960-G-C. GRCh37 (hg19) VCF-style: chr12-133234546-G-C.
Other names: short protein forms L1096V.
Identifiers: ClinVar variation 1017890 (VCV001017890.9), dbSNP rs2042583988, ClinGen allele CA387389865.
Genomic context (GRCh38, chr12:132,657,960, plus strand): 5'-TCTTGAGCCATTTCCGGAGAAAGTGCTTCCTCACCGTGGGCTCTGCTTGGAAAATGGCAA[G>C]TGGGATGGCCCTGGGTAAGGAAGACAGGCACACAGCTCAGTAACAGTGAAAATCACCCAA-3'
Protein context (NP_006222.2, residues 1086-1106): GSPVTERAIP[Leu1096Val]AIFQAEPTVR